The following is an entry in ClinVar:

NM_001276270.2(MBD4):c.336-17T>C

Gene: MBD4 (methyl-CpG binding domain 4, DNA glycosylase; minus strand). Cytogenetic location: 3q21.3.
Variant type: single nucleotide variant.
Coding change: c.336-17T>C on transcript NM_001276270.2 (MANE Select); 17 bases into the intron before coding-DNA position 336, T replaced by C.
Molecular consequence: intron variant.
Genome position (GRCh38, 1-based): chr3:129,437,325, A>G on the plus strand (T>C on the coding strand, the complement: MBD4 is on the minus strand). VCF-style: chr3-129437325-A-G. GRCh37 (hg19) VCF-style: chr3-129156168-A-G.
Other names: c.247+483T>C (NM_001276273.2); c.336-17T>C (NM_001276272.2, NM_003925.3, NM_001276271.2).
Identifiers: ClinVar variation 3678336 (VCV003678336.3).

ClinVar aggregate classification (germline): Likely benign. Review status: criteria provided, multiple submitters, no conflicts (2 of 4 stars). 2 submissions from 2 submitters: Likely benign (2). Last evaluated 2026-06-08.

Conditions:
Tumor predisposition syndrome 2 (TPDS2). Also called: MBD4-ASSOCIATED NEOPLASIA SYNDROME; MBD4-Related Tumor Predisposition Syndrome; MBD4-associated neoplasia syndrome (MANS). Identifiers: Orphanet 661526, MedGen C5774186, MONDO:0859267, OMIM 619975.

Submissions (2):

Myriad Genetics, Inc.
Classification: Likely benign for Tumor predisposition syndrome 2. Last evaluated: 2026-06-08. Review status: criteria provided, single submitter. Criteria: Myriad Autosomal Dominant, Autosomal Recessive and X-Linked Classification Criteria (2023). Collection method: clinical testing. Allele origin: unknown.
Comment: This variant is considered likely benign. This variant is intronic and is not expected to impact mRNA splicing.

Labcorp Genetics (formerly Invitae), Labcorp
Classification: Likely benign. Last evaluated: 2024-10-15. Review status: criteria provided, single submitter. Criteria: Invitae Variant Classification Sherloc (09022015). Collection method: clinical testing. Allele origin: germline.